The following is an entry in ClinVar:

NM_001889.4(CRYZ):c.530T>C (p.Leu177Ser)

Gene: CRYZ (crystallin zeta; minus strand). Cytogenetic location: 1p31.1.
Variant type: single nucleotide variant.
Coding change: c.530T>C on transcript NM_001889.4 (MANE Select); coding-DNA position 530, T replaced by C.
Protein change: p.Leu177Ser; replaces leucine 177 with serine.
Molecular consequence: missense variant.
Genome position (GRCh38, 1-based): chr1:74,710,198, A>G on the plus strand (T>C on the coding strand, the complement: CRYZ is on the minus strand). VCF-style: chr1-74710198-A-G. GRCh37 (hg19) VCF-style: chr1-75175882-A-G.
Other names: c.530T>C, p.Leu177Ser (NM_001130042.2, NM_001130043.2); c.119T>C, p.Leu40Ser (NM_001134759.2); short protein forms L177S, L40S.
Identifiers: ClinVar variation 4983638 (VCV004983638.1).
Genomic context (GRCh38, chr1:74,710,198, plus strand): 5'-ACTTCATGGGCTCCATTTTGCAAAACAATCTTTTGTCCTTCCTCAGTACCAGCAGTGCCC[A>G]AAATCTTTAAGCCATAAGCTCTAGCAATTTGGCATGCTGCTAATCCAACCTGAAAAACAA-3'
Protein context (NP_001880.2, residues 167-187): QIARAYGLKI[Leu177Ser]GTAGTEEGQK

ClinVar aggregate classification (germline): Uncertain significance (1 of 4 stars; one submission).

Conditions:
CRYZ-related disorder. Also called: CRYZ-related condition.

gnomAD v4.1: 17 of 1,613,874 alleles (0.0011%); highest among the groups gnomAD compares: Admixed American, 0.0017%; no homozygotes.

Submission:

PreventionGenetics, part of Exact Sciences
Classification: Uncertain significance for CRYZ-related condition. Last evaluated: 2025-05-07. Review status: criteria provided, single submitter. Criteria: ACMG Guidelines, 2015. Collection method: clinical testing. Allele origin: germline.
Comment: The CRYZ c.530T>C variant is predicted to result in the amino acid substitution p.Leu177Ser. To our knowledge, this variant has not been reported in the literature. This variant is reported in 0.00088% of alleles in individuals of European (Non-Finnish) descent in gnomAD. At this time, the clinical significance of this variant is uncertain due to the absence of conclusive functional and genetic evidence.